The following is an entry in ClinVar:

NM_003722.5(TP63):c.619A>G (p.Lys207Glu)

Gene: TP63 (tumor protein p63; plus strand). Cytogenetic location: 3q28.
Variant type: single nucleotide variant.
Coding change: c.619A>G on transcript NM_003722.5 (MANE Select); coding-DNA position 619, A replaced by G.
Protein change: p.Lys207Glu; replaces lysine 207 with glutamic acid.
Molecular consequence: missense variant.
Genome position (GRCh38, 1-based): chr3:189,864,271, A>G. VCF-style: chr3-189864271-A-G. GRCh37 (hg19) VCF-style: chr3-189582060-A-G.
Other names: c.619A>G, p.Lys207Glu (NM_001114978.2, NM_001114979.2, NM_001329144.2 and 1 more transcripts); c.337A>G, p.Lys113Glu (NM_001114980.2, NM_001114981.2, NM_001114982.2 and 2 more transcripts); c.82A>G, p.Lys28Glu (NM_001329146.2, NM_001329150.2); c.613A>G, p.Lys205Glu (NM_001329964.2); short protein forms K113E, K205E, K207E, K28E.
Identifiers: ClinVar variation 4885432 (VCV004885432.2).

ClinVar aggregate classification (germline): Uncertain significance (1 of 4 stars; one submission).

Submission:

Dasa
Classification: Uncertain significance. Last evaluated: 2026-04-20. Review status: criteria provided, single submitter. Criteria: DASA Assertion Criteria. Collection method: clinical testing. Allele origin: germline.
Comment: NM_003722.5(TP63):c.619A>G (p.Lys207Glu) is a missense variant that results in the substitution of lysine with glutamic acid. The affected residue or protein region has prior evidence supporting clinical relevance. This variant has been reported in individuals with TP63-related disorders (PMID: 38720594). Also, this variant is rare in population databases. Computational prediction algorithms are consistent with a deleterious effect. The currently available literature and clinical evidence are not sufficient to establish a definitive association between this variant and the reported condition. Therefore, this variant is classified as a variant of uncertain significance.

Literature cited by the submitters: PubMed 38720594.